The following is an entry in ClinVar:

NM_198253.3(TERT):c.1424C>T (p.Pro475Leu)

Gene: TERT (telomerase reverse transcriptase; minus strand). Cytogenetic location: 5p15.33.
Variant type: single nucleotide variant.
Coding change: c.1424C>T on transcript NM_198253.3 (MANE Select); coding-DNA position 1424, C replaced by T.
Protein change: p.Pro475Leu; replaces proline 475 with leucine.
Molecular consequence: missense variant. On other transcripts: non-coding transcript variant (2).
Genome position (GRCh38, 1-based): chr5:1,293,462, G>A on the plus strand (C>T on the coding strand, the complement: TERT is on the minus strand). VCF-style: chr5-1293462-G-A. GRCh37 (hg19) VCF-style: chr5-1293577-G-A.
Other names: c.1424C>T, p.Pro475Leu (NM_001193376.3, NM_003219.1); short protein forms P475L.
Identifiers: ClinVar variation 2102692 (VCV002102692.4), dbSNP rs2478409788, ClinGen allele CA359085681.
Genomic context (GRCh38, chr5:1,293,462, plus strand): 5'-ATGAACTTCTTGGTGTTCCTGAGGAAGCGGCGTTCGTTGTGCCTGGAGCCCCAGAGGCCT[G>A]GGGGCACCAGCCGGCGCAGGCAGGCCCGCACGAAGCCGTACACCTGCCAGGGGCTGCTGT-3'
Protein context (NP_937983.2, residues 465-485): VRACLRRLVP[Pro475Leu]GLWGSRHNER

ClinVar aggregate classification (germline): Uncertain significance (1 of 4 stars; one submission).

Conditions:
Idiopathic Pulmonary Fibrosis. Also called: Idiopathic fibrosing alveolitis, chronic form; idiopathic fibrosing alveolitis. Identifiers: Orphanet 2032, MedGen C1800706, MeSH D054990, MONDO:0800504.
Dyskeratosis congenita, autosomal dominant 2. Identifiers: MedGen C3151443, MONDO:0013521, OMIM 613989.

Submission:

Labcorp Genetics (formerly Invitae), Labcorp
Classification: Uncertain significance for Dyskeratosis congenita, autosomal dominant 2; Idiopathic Pulmonary Fibrosis. Last evaluated: 2022-02-23. Review status: criteria provided, single submitter. Criteria: Invitae Variant Classification Sherloc (09022015). Collection method: clinical testing. Allele origin: germline.
Comment: This sequence change replaces proline, which is neutral and non-polar, with leucine, which is neutral and non-polar, at codon 475 of the TERT protein (p.Pro475Leu). This variant is not present in population databases (gnomAD no frequency). In summary, the available evidence is currently insufficient to determine the role of this variant in disease. Therefore, it has been classified as a Variant of Uncertain Significance. Algorithms developed to predict the effect of missense changes on protein structure and function (SIFT, PolyPhen-2, Align-GVGD) all suggest that this variant is likely to be tolerated. This variant has not been reported in the literature in individuals affected with TERT-related conditions.